The following is an entry in ClinVar:

NC_000022.11:g.40346147T>C

Gene: ADSL (adenylosuccinate lyase; plus strand). Cytogenetic location: 22q13.1.
Variant type: single nucleotide variant.
Genome position: GRCh38 VCF-style: chr22-40346147-T-C. GRCh37 (hg19) VCF-style: chr22-40742151-T-C.
Identifiers: ClinVar variation 1940954 (VCV001940954.6), dbSNP rs2518075754, ClinGen allele CA2580099844.

ClinVar aggregate classification (germline): Uncertain significance (1 of 4 stars; one submission).

Conditions:
Adenylosuccinate lyase deficiency (ADSLD). Also called: ADSL DEFICIENCY. Identifiers: Orphanet 46, MedGen C0268126, MONDO:0007068, OMIM 103050.

Submission:

Labcorp Genetics (formerly Invitae), Labcorp
Classification: Uncertain significance for Adenylosuccinate lyase deficiency. Last evaluated: 2022-01-05. Review status: criteria provided, single submitter. Criteria: Invitae Variant Classification Sherloc (09022015). Collection method: clinical testing. Allele origin: germline.
Comment: This variant occurs in a non-coding region of the ADSL gene. It does not change the encoded amino acid sequence of the ADSL protein. Experimental studies and prediction algorithms are not available or were not evaluated, and the functional significance of this variant is currently unknown. In summary, the available evidence is currently insufficient to determine the role of this variant in disease. Therefore, it has been classified as a Variant of Uncertain Significance. This variant has not been reported in the literature in individuals affected with ADSL-related conditions. The frequency data for this variant in the population databases is considered unreliable, as metrics indicate insufficient coverage at this position in the gnomAD database.